The following is an entry in ClinVar:

ClinVar aggregate classification (germline): Uncertain significance (1 of 4 stars; one submission).

Submission:

Labcorp Genetics (formerly Invitae), Labcorp
Classification: Uncertain significance. Last evaluated: 2024-11-24. Review status: criteria provided, single submitter. Criteria: Invitae Variant Classification Sherloc (09022015). Collection method: clinical testing. Allele origin: germline.
Comment: This sequence change replaces proline, which is neutral and non-polar, with threonine, which is neutral and polar, at codon 1424 of the CARMIL2 protein (p.Pro1424Thr). This variant is not present in population databases (gnomAD no frequency). This variant has not been reported in the literature in individuals affected with CARMIL2-related conditions. An algorithm developed to predict the effect of missense changes on protein structure and function (PolyPhen-2) suggests that this variant is likely to be disruptive. In summary, the available evidence is currently insufficient to determine the role of this variant in disease. Therefore, it has been classified as a Variant of Uncertain Significance.

NM_001013838.3(CARMIL2):c.4270C>A (p.Pro1424Thr)

Gene: CARMIL2 (capping protein regulator and myosin 1 linker 2; plus strand). Cytogenetic location: 16q22.1.
Variant type: single nucleotide variant.
Coding change: c.4270C>A on transcript NM_001013838.3 (MANE Select); coding-DNA position 4270, C replaced by A.
Protein change: p.Pro1424Thr; replaces proline 1424 with threonine.
Molecular consequence: missense variant.
Genome position (GRCh38, 1-based): chr16:67,657,480, C>A. VCF-style: chr16-67657480-C-A. GRCh37 (hg19) VCF-style: chr16-67691383-C-A.
Other names: c.4081C>A, p.Pro1361Thr (NM_001317026.3); short protein forms P1361T, P1424T.
Identifiers: ClinVar variation 3694828 (VCV003694828.2).